The following is an entry in ClinVar:

ClinVar aggregate classification (germline): Uncertain significance (1 of 4 stars; one submission).

gnomAD v4.1: 1 of 1,613,512 alleles (0.000062%); highest among the groups gnomAD compares: Non-Finnish European, 0.000085%; no homozygotes.

Submission:

GeneDx
Classification: Uncertain significance. Last evaluated: 2026-03-28. Review status: criteria provided, single submitter. Criteria: GeneDx Variant Classification Process June 2021. Collection method: clinical testing. Allele origin: germline.
Comment: Not observed at significant frequency in large population cohorts (gnomAD); In silico analysis supports that this missense variant has a deleterious effect on protein structure/function; Has not been previously published as pathogenic or benign to our knowledge

NM_013275.6(ANKRD11):c.1358A>C (p.Lys453Thr)

Gene: ANKRD11 (ankyrin repeat domain 11; minus strand). Cytogenetic location: 16q24.3.
Variant type: single nucleotide variant.
Coding change: c.1358A>C on transcript NM_013275.6 (MANE Select); coding-DNA position 1358, A replaced by C.
Protein change: p.Lys453Thr; replaces lysine 453 with threonine.
Molecular consequence: missense variant.
Genome position (GRCh38, 1-based): chr16:89,285,184, T>G on the plus strand (A>C on the coding strand, the complement: ANKRD11 is on the minus strand). VCF-style: chr16-89285184-T-G. GRCh37 (hg19) VCF-style: chr16-89351592-T-G.
Other names: c.1358A>C, p.Lys453Thr (NM_001256182.2, NM_001256183.2); short protein forms K453T.
Identifiers: ClinVar variation 3362061 (VCV003362061.2).